The following is an entry in ClinVar:

NM_006218.4(PIK3CA):c.1042A>G (p.Ile348Val)

Gene: PIK3CA (phosphatidylinositol-4,5-bisphosphate 3-kinase catalytic subunit alpha; plus strand). Cytogenetic location: 3q26.32.
Variant type: single nucleotide variant.
Coding change: c.1042A>G on transcript NM_006218.4 (MANE Select); coding-DNA position 1042, A replaced by G.
Protein change: p.Ile348Val; replaces isoleucine 348 with valine.
Molecular consequence: missense variant.
Genome position (GRCh38, 1-based): chr3:179,203,772, A>G. VCF-style: chr3-179203772-A-G. GRCh37 (hg19) VCF-style: chr3-178921560-A-G.
Other names: short protein forms I348V.
Identifiers: ClinVar variation 5026685 (VCV005026685.1).

ClinVar aggregate classification (germline): Uncertain significance (1 of 4 stars; one submission).

Conditions:
Inborn genetic diseases. Identifiers: MedGen C0950123, MeSH D030342.

Submission:

Ambry Genetics
Classification: Uncertain significance for Inborn genetic diseases. Last evaluated: 2026-07-07. Review status: criteria provided, single submitter. Criteria: Ambry Variant Classification Scheme 2023. Collection method: clinical testing. Allele origin: germline.
Comment: The p.I348V variant (also known as c.1042A>G), located in coding exon 4 of the PIK3CA gene, results from an A to G substitution at nucleotide position 1042. The isoleucine at codon 348 is replaced by valine, an amino acid with highly similar properties. This amino acid position is conserved. In addition, this alteration is predicted to be tolerated by in silico analysis. Based on the available evidence, the clinical significance of this variant remains unclear.